The following is an entry in ClinVar:

NM_000038.6(APC):c.6513G>A (p.Gly2171=)

Gene: APC (APC regulator of Wnt signaling pathway; plus strand). Cytogenetic location: 5q22.2.
Variant type: single nucleotide variant.
Coding change: c.6513G>A on transcript NM_000038.6 (MANE Select); coding-DNA position 6513, G replaced by A.
Protein change: p.Gly2171=; no amino-acid change (glycine 2171 retained).
Molecular consequence: synonymous variant. On other transcripts: non-coding transcript variant (2).
Genome position (GRCh38, 1-based): chr5:112,842,107, G>A. VCF-style: chr5-112842107-G-A. GRCh37 (hg19) VCF-style: chr5-112177804-G-A.
Other names: c.6513G>A, p.Gly2171= (NM_001127510.3, NM_001354895.2, NM_001407450.1); c.6459G>A, p.Gly2153= (NM_001127511.3); c.6567G>A, p.Gly2189= (NM_001354896.2, NM_001407447.1, NM_001407448.1 and 1 more transcripts); c.6543G>A, p.Gly2181= (NM_001354897.2); c.6438G>A, p.Gly2146= (NM_001354898.2); c.6429G>A, p.Gly2143= (NM_001354899.2); c.6390G>A, p.Gly2130= (NM_001354900.2); c.6336G>A, p.Gly2112= (NM_001354901.2, NM_001407453.1); and 11 more.
Identifiers: ClinVar variation 4085713 (VCV004085713.8).

ClinVar aggregate classification (germline): Likely benign (1 of 4 stars; one submission).

gnomAD v4.1: 1 of 1,611,090 alleles (0.000062%); no homozygotes.

Submission:

CeGaT Center for Human Genetics Tuebingen
Classification: Likely benign. Last evaluated: 2025-08-01. Review status: criteria provided, single submitter. Criteria: CeGaT Center For Human Genetics Tuebingen Variant Classification Criteria Version 2. Collection method: clinical testing. Allele origin: germline. Affected: yes. Observed: 1 variant allele.
Comment: APC: BP4, BP7